The following is an entry in ClinVar:

ClinVar aggregate classification (germline): Pathogenic (1 of 4 stars; one submission).

Conditions:
Nephronophthisis 15 (NPHP15). Identifiers: Orphanet 3156, MedGen C3541853, MONDO:0013917, OMIM 614845.

Allele frequency attached by ClinVar (database versions not stated): gnomAD exomes below 0.00001.

Submission:

Fulgent Genetics
Classification: Pathogenic for Nephronophthisis 15. Last evaluated: 2021-06-30. Review status: criteria provided, single submitter. Criteria: ACMG Guidelines, 2015. Collection method: clinical testing. Allele origin: unknown.
Comment: This variant has been detected in individual(s) who were sent for testing of Renasight - kidney gene panel.

NM_014956.5(CEP164):c.1264_1265insTGGCTGG (p.His422fs)

Gene: CEP164 (centrosomal protein 164; plus strand). Cytogenetic location: 11q23.3.
Variant type: Insertion.
Coding change: c.1264_1265insTGGCTGG on transcript NM_014956.5 (MANE Select); coding-DNA positions 1264 to 1265, TGGCTGG inserted.
Protein change: p.His422fs; shifts the reading frame from histidine 422.
Molecular consequence: frameshift variant.
Genome position: GRCh38 VCF-style: chr11-117375738-C-CTGGCTGG. GRCh37 (hg19) VCF-style: chr11-117246454-C-CTGGCTGG.
Other names: c.1264_1265insTGGCTGG, p.His422fs (NM_001271933.2); short protein forms H422fs.
Identifiers: ClinVar variation 1179150 (VCV001179150.2), dbSNP rs2042674113, ClinGen allele CA2499220766.
Genomic context (GRCh38, chr11:117,375,738, plus strand): 5'-AGTTGACCTTTGCATCTCCACTGTCTCCAGGACTTCGGTTTTCGCAGCCGGATCTCGGAG[C>CTGGCTGG]ACCTGCTGGATGTTGATGTGCTTTCCCCAGTCCTGGGTGGAGCTTGTCGGCAGGTGAGTT-3'